The following is an entry in ClinVar:

ClinVar aggregate classification (germline): Uncertain significance. Review status: criteria provided, multiple submitters, no conflicts (2 of 4 stars). 2 submissions from 2 submitters: Uncertain significance (2). Last evaluated 2025-05-29.

Allele frequency attached by ClinVar (database versions not stated): ExAC 0.00001; gnomAD 0.00001; gnomAD exomes 0.00001 and 0.00002.
gnomAD v4.1: 21 of 1,613,446 alleles (0.0013%); highest among the groups gnomAD compares: Middle Eastern, 0.033%; no homozygotes.

Submissions (2):

Labcorp Genetics (formerly Invitae), Labcorp
Classification: Uncertain significance. Last evaluated: 2025-05-29. Review status: criteria provided, single submitter. Criteria: Invitae Variant Classification Sherloc (09022015). Collection method: clinical testing. Allele origin: germline.
Comment: This sequence change replaces isoleucine, which is neutral and non-polar, with methionine, which is neutral and non-polar, at codon 782 of the ADGRA3 protein (p.Ile782Met). This variant is present in population databases (rs764564057, gnomAD 0.01%). This variant has not been reported in the literature in individuals affected with ADGRA3-related conditions. ClinVar contains an entry for this variant (Variation ID: 1420275). An algorithm developed to predict the effect of missense changes on protein structure and function outputs the following: PolyPhen-2: "Benign". The methionine amino acid residue is found in multiple mammalian species, which suggests that this missense change does not adversely affect protein function. In summary, the available evidence is currently insufficient to determine the role of this variant in disease. Therefore, it has been classified as a Variant of Uncertain Significance.

Breakthrough Genomics
Classification: Uncertain significance. Review status: criteria provided, single submitter. Criteria: ACMG Guidelines, 2015. Collection method: not provided. Allele origin: germline. Inheritance: Unknown mechanism. Affected: yes.

NM_145290.4(ADGRA3):c.2346A>G (p.Ile782Met)

Gene: ADGRA3 (adhesion G protein-coupled receptor A3; minus strand). Cytogenetic location: 4p15.2.
Variant type: single nucleotide variant.
Coding change: c.2346A>G on transcript NM_145290.4 (MANE Select); coding-DNA position 2346, A replaced by G.
Protein change: p.Ile782Met; replaces isoleucine 782 with methionine.
Molecular consequence: missense variant.
Genome position (GRCh38, 1-based): chr4:22,402,686, T>C on the plus strand (A>G on the coding strand, the complement: ADGRA3 is on the minus strand). VCF-style: chr4-22402686-T-C. GRCh37 (hg19) VCF-style: chr4-22404309-T-C.
Other names: short protein forms I782M.
Identifiers: ClinVar variation 1420275 (VCV001420275.7), dbSNP rs764564057, ClinGen allele CA2873671.